The following is an entry in ClinVar:

NM_000218.3(KCNQ1):c.1577A>G (p.Lys526Arg)

Gene: KCNQ1 (potassium voltage-gated channel subfamily Q member 1; plus strand). Cytogenetic location: 11p15.5.
Variant type: single nucleotide variant.
Coding change: c.1577A>G on transcript NM_000218.3 (MANE Select); coding-DNA position 1577, A replaced by G.
Protein change: p.Lys526Arg; replaces lysine 526 with arginine.
Molecular consequence: missense variant.
Genome position (GRCh38, 1-based): chr11:2,768,906, A>G. VCF-style: chr11-2768906-A-G. GRCh37 (hg19) VCF-style: chr11-2790136-A-G.
Other names: c.1481A>G, p.Lys494Arg (NM_001406836.1); c.1307A>G, p.Lys436Arg (NM_001406837.1); c.1037A>G, p.Lys346Arg (NM_001406838.1); c.1196A>G, p.Lys399Arg (NM_181798.2); short protein forms K346R, K399R, K436R, K494R, K526R.
Identifiers: ClinVar variation 3905519 (VCV003905519.10).

ClinVar aggregate classification (germline): Uncertain significance (1 of 4 stars; one submission).

Submission:

CeGaT Center for Human Genetics Tuebingen
Classification: Uncertain significance. Last evaluated: 2025-05-01. Review status: criteria provided, single submitter. Criteria: CeGaT Center For Human Genetics Tuebingen Variant Classification Criteria Version 2. Collection method: clinical testing. Allele origin: germline. Affected: yes. Observed: 1 variant allele.
Comment: KCNQ1: PM1, PM2